The following is an entry in ClinVar:

NM_021098.3(CACNA1H):c.5103A>G (p.Ile1701Met)

Gene: CACNA1H (calcium voltage-gated channel subunit alpha1 H; plus strand). Cytogenetic location: 16p13.3.
Variant type: single nucleotide variant.
Coding change: c.5103A>G on transcript NM_021098.3 (MANE Select); coding-DNA position 5103, A replaced by G.
Protein change: p.Ile1701Met; replaces isoleucine 1701 with methionine.
Molecular consequence: missense variant.
Genome position (GRCh38, 1-based): chr16:1,215,305, A>G. VCF-style: chr16-1215305-A-G. GRCh37 (hg19) VCF-style: chr16-1265305-A-G.
Other names: c.5085A>G, p.Ile1695Met (NM_001005407.2); short protein forms I1701M, I1695M.
Identifiers: ClinVar variation 859697 (VCV000859697.12), dbSNP rs779872782, ClinGen allele CA7801793.
Genomic context (GRCh38, chr16:1,215,305, plus strand): 5'-GAACCAGCTGGACCTGGCCATCGTGCTGCTGTCACTCATGGGCATCACGCTGGAGGAGAT[A>G]GAGATGAGCGCCGCGCTGCCCATCAACCCCACCATCATCCGCATCATGCGCGTGCTTCGC-3'
Protein context (NP_066921.2, residues 1691-1711): LSLMGITLEE[Ile1701Met]EMSAALPINP

ClinVar aggregate classification (germline): Conflicting classifications of pathogenicity. Review status: criteria provided, conflicting classifications (1 of 4 stars). 4 submissions from 4 submitters: Uncertain significance (3); Likely benign (1). Last evaluated 2025-01-17.

Conditions:
Idiopathic generalized epilepsy. Also called: Generalised epilepsy; EIG. Identifiers: MedGen C0270850, MONDO:0005579, OMIM 600669.
Hyperaldosteronism, familial, type IV (HALD4). Also called: FH IV; ALDOSTERONISM, PRIMARY, AND HYPERTENSION. Identifiers: Orphanet 642671, MedGen C4310756, MONDO:0014875, OMIM 617027.
Inborn genetic diseases. Identifiers: MedGen C0950123, MeSH D030342.
Epilepsy, childhood absence, susceptibility to, 6. Identifiers: Orphanet 64280, MedGen C2749872, MONDO:0012763, OMIM 611942.

Allele frequency attached by ClinVar (database versions not stated): gnomAD exomes 0.00001 and 0.00002; ExAC 0.00003.
gnomAD v4.1: 20 of 1,610,528 alleles (0.0012%); highest among the groups gnomAD compares: South Asian, 0.017%; 1 homozygote.

Submissions (4):

Ambry Genetics
Classification: Uncertain significance for Inborn genetic diseases. Last evaluated: 2025-01-17. Review status: criteria provided, single submitter. Criteria: Ambry Variant Classification Scheme 2023. Collection method: clinical testing. Allele origin: germline.

Labcorp Genetics (formerly Invitae), Labcorp
Classification: Uncertain significance for Idiopathic generalized epilepsy; Hyperaldosteronism, familial, type IV. Last evaluated: 2024-12-02. Review status: criteria provided, single submitter. Criteria: Invitae Variant Classification Sherloc (09022015). Collection method: clinical testing. Allele origin: germline.
Comment: This sequence change replaces isoleucine, which is neutral and non-polar, with methionine, which is neutral and non-polar, at codon 1701 of the CACNA1H protein (p.Ile1701Met). This variant is present in population databases (rs779872782, gnomAD 0.01%). This variant has not been reported in the literature in individuals affected with CACNA1H-related conditions. ClinVar contains an entry for this variant (Variation ID: 859697). Invitae Evidence Modeling of protein sequence and biophysical properties (such as structural, functional, and spatial information, amino acid conservation, physicochemical variation, residue mobility, and thermodynamic stability) indicates that this missense variant is not expected to disrupt CACNA1H protein function with a negative predictive value of 80%. In summary, the available evidence is currently insufficient to determine the role of this variant in disease. Therefore, it has been classified as a Variant of Uncertain Significance.

Blueprint Genetics
Classification: Likely benign. Last evaluated: 2024-05-02. Review status: criteria provided, single submitter. Criteria: ACMG Guidelines, 2015. Collection method: clinical testing. Allele origin: germline.

Fulgent Genetics
Classification: Uncertain significance for Epilepsy, childhood absence, susceptibility to, 6; Hyperaldosteronism, familial, type IV. Last evaluated: 2022-02-24. Review status: criteria provided, single submitter. Criteria: ACMG Guidelines, 2015. Collection method: clinical testing. Allele origin: unknown.